The following is an entry in ClinVar:

ClinVar aggregate classification (germline): Uncertain significance (1 of 4 stars; one submission).

Conditions:
Fanconi anemia (FA). Also called: Fanconi's anemia. Identifiers: Orphanet 84, MedGen C0015625, MeSH D005199, MONDO:0019391.

Submission:

Labcorp Genetics (formerly Invitae), Labcorp
Classification: Uncertain significance for Fanconi anemia. Last evaluated: 2022-01-16. Review status: criteria provided, single submitter. Criteria: Invitae Variant Classification Sherloc (09022015). Collection method: clinical testing. Allele origin: germline.
Comment: This sequence change replaces threonine, which is neutral and polar, with proline, which is neutral and non-polar, at codon 1124 of the FANCI protein (p.Thr1124Pro). This variant is not present in population databases (gnomAD no frequency). This variant has not been reported in the literature in individuals affected with FANCI-related conditions. Algorithms developed to predict the effect of missense changes on protein structure and function (SIFT, PolyPhen-2, Align-GVGD) all suggest that this variant is likely to be tolerated. In summary, the available evidence is currently insufficient to determine the role of this variant in disease. Therefore, it has been classified as a Variant of Uncertain Significance.

NM_001113378.2(FANCI):c.3370A>C (p.Thr1124Pro)

Gene: FANCI (FA complementation group I; plus strand). Cytogenetic location: 15q26.1.
Variant type: single nucleotide variant.
Coding change: c.3370A>C on transcript NM_001113378.2 (MANE Select); coding-DNA position 3370, A replaced by C.
Protein change: p.Thr1124Pro; replaces threonine 1124 with proline.
Molecular consequence: missense variant.
Genome position (GRCh38, 1-based): chr15:89,306,027, A>C. VCF-style: chr15-89306027-A-C. GRCh37 (hg19) VCF-style: chr15-89849258-A-C.
Other names: c.3091A>C, p.Thr1031Pro (NM_001376910.1); c.3370A>C, p.Thr1124Pro (NM_001376911.1); c.3190A>C, p.Thr1064Pro (NM_018193.3); short protein forms T1031P, T1124P, T1064P.
Identifiers: ClinVar variation 2201199 (VCV002201199.4), dbSNP rs2151923443, ClinGen allele CA393740332.